The following is an entry in ClinVar:

NM_138694.4(PKHD1):c.6765del (p.Asp2255fs)

Gene: PKHD1 (PKHD1 ciliary IPT domain containing fibrocystin/polyductin; minus strand). Cytogenetic location: 6p12.2.
Variant type: Deletion.
Coding change: c.6765del on transcript NM_138694.4 (MANE Select); coding-DNA position 6765, one base deleted (C; older notation c.6765delC).
Protein change: p.Asp2255fs; shifts the reading frame from aspartic acid 2255.
Molecular consequence: frameshift variant.
Genome position (GRCh38, 1-based): chr6:51,906,258, G deleted on the plus strand (C on the coding strand, the reverse complement: PKHD1 is on the minus strand). VCF-style (leftmost placement, unchanged base first): chr6-51906257-TG-T. GRCh37 (hg19) VCF-style: chr6-51771055-TG-T.
Other names: c.6765del, p.Asp2255fs (NM_170724.3); short protein forms D2255fs.
Identifiers: ClinVar variation 2105316 (VCV002105316.4), dbSNP rs2536571427, ClinGen allele CA2580075462.

ClinVar aggregate classification (germline): Pathogenic (1 of 4 stars; one submission).

Conditions:
Autosomal recessive polycystic kidney disease (ARPKD). Also called: AR polycystic kidney disease. Identifiers: Orphanet 731, Orphanet 8378, MedGen C0085548, MeSH D017044, MONDO:0009889.

Submission:

Labcorp Genetics (formerly Invitae), Labcorp
Classification: Pathogenic for Autosomal recessive polycystic kidney disease. Last evaluated: 2022-03-01. Review status: criteria provided, single submitter. Criteria: Invitae Variant Classification Sherloc (09022015). Collection method: clinical testing. Allele origin: germline.
Comment: For these reasons, this variant has been classified as Pathogenic. This variant has not been reported in the literature in individuals affected with PKHD1-related conditions. This variant is not present in population databases (gnomAD no frequency). This sequence change creates a premature translational stop signal (p.Asp2255Glufs*9) in the PKHD1 gene. It is expected to result in an absent or disrupted protein product. Loss-of-function variants in PKHD1 are known to be pathogenic (PMID: 19940839).

Literature cited by the submitters: PubMed 19940839.